The following is an entry in ClinVar:

ClinVar aggregate classification (germline): Uncertain significance. Review status: criteria provided, multiple submitters, no conflicts (2 of 4 stars). 3 submissions from 3 submitters: Uncertain significance (3). Last evaluated 2025-12-10.

Conditions:
Primary immunodeficiency with natural-killer cell deficiency and adrenal insufficiency (IMD54). Also called: Natural killer cell and glucocorticoid deficiency with DNA repair defect; IMMUNODEFICIENCY 54. Identifiers: Orphanet 75391, MedGen C1864947, MONDO:0012383, OMIM 609981.

Allele frequency attached by ClinVar (database versions not stated): ExAC 0.00004; TOPMed 0.00006.
gnomAD v4.1: 56 of 1,614,012 alleles (0.0035%); highest among the groups gnomAD compares: African/African-American, 0.019%; no homozygotes.

Submissions (3):

Labcorp Genetics (formerly Invitae), Labcorp
Classification: Uncertain significance. Last evaluated: 2025-12-10. Review status: criteria provided, single submitter. Criteria: Invitae Variant Classification Sherloc (09022015). Collection method: clinical testing. Allele origin: germline.
Comment: This sequence change replaces valine, which is neutral and non-polar, with methionine, which is neutral and non-polar, at codon 781 of the MCM4 protein (p.Val781Met). This variant is present in population databases (rs765226208, gnomAD 0.008%). This variant has not been reported in the literature in individuals affected with MCM4-related conditions. ClinVar contains an entry for this variant (Variation ID: 911993). Invitae Evidence Modeling of protein sequence and biophysical properties (such as structural, functional, and spatial information, amino acid conservation, physicochemical variation, residue mobility, and thermodynamic stability) indicates that this missense variant is not expected to disrupt MCM4 protein function with a negative predictive value of 80%. In summary, the available evidence is currently insufficient to determine the role of this variant in disease. Therefore, it has been classified as a Variant of Uncertain Significance.

Ambry Genetics
Classification: Uncertain significance. Last evaluated: 2024-03-26. Review status: criteria provided, single submitter. Criteria: Ambry Variant Classification Scheme 2023. Collection method: clinical testing. Allele origin: germline.

Illumina Laboratory Services, Illumina
Classification: Uncertain significance for Primary immunodeficiency with natural-killer cell deficiency and adrenal insufficiency. Last evaluated: 2018-01-15. Review status: criteria provided, single submitter. Criteria: ICSL Variant Classification Criteria 13 December 2019. Collection method: clinical testing. Allele origin: germline.

NM_182746.3(MCM4):c.2341G>A (p.Val781Met)

Gene: MCM4 (minichromosome maintenance complex component 4; plus strand). Cytogenetic location: 8q11.21.
Variant type: single nucleotide variant.
Coding change: c.2341G>A on transcript NM_182746.3 (MANE Select); coding-DNA position 2341, G replaced by A.
Protein change: p.Val781Met; replaces valine 781 with methionine.
Molecular consequence: missense variant.
Genome position (GRCh38, 1-based): chr8:47,974,938, G>A. VCF-style: chr8-47974938-G-A. GRCh37 (hg19) VCF-style: chr8-48887498-G-A.
Other names: c.2341G>A, p.Val781Met (NM_005914.4); short protein forms V781M.
Identifiers: ClinVar variation 911993 (VCV000911993.12), dbSNP rs765226208, ClinGen allele CA4742881.